The following is an entry in ClinVar:

NM_024642.5(GALNT12):c.1739T>A (p.Met580Lys)

Gene: GALNT12 (polypeptide N-acetylgalactosaminyltransferase 12; plus strand). Cytogenetic location: 9q22.33.
Variant type: single nucleotide variant.
Coding change: c.1739T>A on transcript NM_024642.5 (MANE Select); coding-DNA position 1739, T replaced by A.
Protein change: p.Met580Lys; replaces methionine 580 with lysine.
Molecular consequence: missense variant.
Genome position (GRCh38, 1-based): chr9:98,849,085, T>A. VCF-style: chr9-98849085-T-A. GRCh37 (hg19) VCF-style: chr9-101611367-T-A.
Other names: short protein forms M580K.
Identifiers: ClinVar variation 4871635 (VCV004871635.1).

ClinVar aggregate classification (germline): Uncertain significance (1 of 4 stars; one submission).

Submission:

Ambry Genetics
Classification: Uncertain significance. Last evaluated: 2026-04-16. Review status: criteria provided, single submitter. Criteria: Ambry Variant Classification Scheme 2023. Collection method: clinical testing. Allele origin: germline.
Comment: The p.M580K variant (also known as c.1739T>A), located in coding exon 10 of the GALNT12 gene, results from a T to A substitution at nucleotide position 1739. The methionine at codon 580 is replaced by lysine, an amino acid with similar properties. This amino acid position is conserved. In addition, this alteration is predicted to be tolerated by in silico analysis. Based on the available evidence, the clinical significance of this variant remains unclear.